The following is an entry in ClinVar:

NM_018834.6(MATR3):c.2496A>G (p.Lys832=)

Gene: MATR3 (matrin 3; plus strand). Cytogenetic location: 5q31.2.
Variant type: single nucleotide variant.
Coding change: c.2496A>G on transcript NM_018834.6 (MANE Select); coding-DNA position 2496, A replaced by G.
Protein change: p.Lys832=; no amino-acid change (lysine 832 retained).
Molecular consequence: synonymous variant.
Genome position (GRCh38, 1-based): chr5:139,329,347, A>G. VCF-style: chr5-139329347-A-G. GRCh37 (hg19) VCF-style: chr5-138665036-A-G.
Other names: c.2496A>G, p.Lys832= (NM_001194954.2, NM_001194955.2, NM_001400447.1 and 11 more transcripts); c.1632A>G, p.Lys544= (NM_001194956.2); c.1482A>G, p.Lys494= (NM_001282278.2, NM_001400462.1, NM_001400463.1 and 4 more transcripts); c.2640A>G, p.Lys880= (NM_001400441.1, NM_001400442.1, NM_001400443.1 and 2 more transcripts); c.1635A>G, p.Lys545= (NM_001400459.1); c.1626A>G, p.Lys542= (NM_001400460.1); c.1596A>G, p.Lys532= (NM_001400461.1).
Identifiers: ClinVar variation 2169228 (VCV002169228.4), dbSNP rs2546902142, ClinGen allele CA361147440.

ClinVar aggregate classification (germline): Uncertain significance (1 of 4 stars; one submission).

Conditions:
Amyotrophic lateral sclerosis type 21. Also called: VOCAL CORD AND PHARYNGEAL DYSFUNCTION WITH DISTAL MYOPATHY; MYOPATHY, DISTAL, 2. Identifiers: Orphanet 600, Orphanet 803, MedGen C3807521, MONDO:0011632, OMIM 606070.

Allele frequency attached by ClinVar (database versions not stated): gnomAD exomes below 0.00001.
gnomAD v4.1: 2 of 1,610,466 alleles (0.00012%); highest among the groups gnomAD compares: Non-Finnish European, 0.00017%; no homozygotes.

Submission:

Labcorp Genetics (formerly Invitae), Labcorp
Classification: Uncertain significance for Amyotrophic lateral sclerosis type 21. Last evaluated: 2022-10-23. Review status: criteria provided, single submitter. Criteria: Invitae Variant Classification Sherloc (09022015). Collection method: clinical testing. Allele origin: germline.
Comment: This sequence change affects codon 832 of the MATR3 mRNA. It is a 'silent' change, meaning that it does not change the encoded amino acid sequence of the MATR3 protein. This variant is not present in population databases (gnomAD no frequency). This variant has not been reported in the literature in individuals affected with MATR3-related conditions. Algorithms developed to predict the effect of sequence changes on RNA splicing suggest that this variant may create or strengthen a splice site. In summary, the available evidence is currently insufficient to determine the role of this variant in disease. Therefore, it has been classified as a Variant of Uncertain Significance.